The following is an entry in ClinVar:

NM_001022.4(RPS19):c.347del (p.Asp116fs)

Genes: RPS19 (ribosomal protein S19; plus strand), RPS19-CD79A (RPS19-CD79A readthrough; plus strand). Cytogenetic location: 19q13.2.
Variant type: Deletion.
Coding change: c.347del on transcript NM_001022.4 (MANE Select); coding-DNA position 347, one base deleted (A; older notation c.347delA).
Protein change: p.Asp116fs; shifts the reading frame from aspartic acid 116.
Molecular consequence: frameshift variant.
Genome position (GRCh38, 1-based): chr19:41,869,205, A deleted. VCF-style (leftmost placement, unchanged base first): chr19-41869204-GA-G. GRCh37 (hg19) VCF-style: chr19-42373274-GA-G.
Other names: c.347del, p.Asp116fs (NM_001321483.2, NM_001321484.2); c.360del, p.Pro121fs (NM_001321485.2); short protein forms D116fs, P121fs.
Identifiers: ClinVar variation 2007213 (VCV002007213.4), dbSNP rs2513683427, ClinGen allele CA2580097300.

ClinVar aggregate classification (germline): Pathogenic (1 of 4 stars; one submission).

Conditions:
Diamond-Blackfan anemia. Also called: Blackfan Diamond syndrome; Aregenerative anemia chronic congenital; Red cell aplasia, pure hereditary; Congenital hypoplastic anemia; Aase syndrome. Identifiers: Orphanet 124, MedGen C1260899, MeSH D029503, MONDO:0015253, HP:0004810.

Submission:

Labcorp Genetics (formerly Invitae), Labcorp
Classification: Pathogenic for Diamond-Blackfan anemia. Last evaluated: 2022-06-28. Review status: criteria provided, single submitter. Criteria: Invitae Variant Classification Sherloc (09022015). Collection method: clinical testing. Allele origin: germline.
Comment: For these reasons, this variant has been classified as Pathogenic. This variant disrupts a region of the RPS19 protein in which other variant(s) (p.Gln128*) have been determined to be pathogenic (PMID: 12750732). This suggests that this is a clinically significant region of the protein, and that variants that disrupt it are likely to be disease-causing. This variant has not been reported in the literature in individuals affected with RPS19-related conditions. This variant is not present in population databases (gnomAD no frequency). This sequence change creates a premature translational stop signal (p.Asp116Alafs*8) in the RPS19 gene. While this is not anticipated to result in nonsense mediated decay, it is expected to disrupt the last 30 amino acid(s) of the RPS19 protein.

Literature cited by the submitters: PubMed 12750732.